The following is an entry in ClinVar:

ClinVar aggregate classification (germline): Likely pathogenic (1 of 4 stars; one submission).

Conditions:
Cystic fibrosis (CF). Also called: MUCOVISCIDOSIS. Identifiers: Orphanet 586, MedGen C0010674, MONDO:0009061, OMIM 219700. Disease mechanism: loss of function.

Allele frequency attached by ClinVar (database versions not stated): gnomAD exomes below 0.00001.
gnomAD v4.1: 1 of 1,613,994 alleles (0.000062%); highest among the groups gnomAD compares: Non-Finnish European, 0.000085%; no homozygotes.

Submission:

Women's Health and Genetics/Laboratory Corporation of America, LabCorp
Classification: Likely pathogenic for Cystic Fibrosis. Last evaluated: 2011-08-18. Review status: criteria provided, single submitter. Criteria: LabCorp Variant Classification Summary - May 2015. Collection method: curation. Allele origin: germline. Inheritance: autosomal unknown. Affected: yes.
ClinVar note: Converted during submission from likely pathogenic to Likely pathogenic.

NM_000492.4(CFTR):c.4280T>C (p.Ile1427Thr)

Genes: CFTR (CF transmembrane conductance regulator; plus strand), LOC111674477 (CFTR intron 23 enhancer; plus strand). Cytogenetic location: 7q31.2.
Variant type: single nucleotide variant.
Coding change: c.4280T>C on transcript NM_000492.4 (MANE Select); coding-DNA position 4280, T replaced by C.
Protein change: p.Ile1427Thr; replaces isoleucine 1427 with threonine.
Molecular consequence: missense variant.
Genome position (GRCh38, 1-based): chr7:117,666,945, T>C. VCF-style: chr7-117666945-T-C. GRCh37 (hg19) VCF-style: chr7-117306999-T-C.
Other names: short protein forms I1427T.
Identifiers: ClinVar variation 35886 (VCV000035886.3), dbSNP rs193922528, ClinGen allele CA260254.
Genomic context (GRCh38, chr7:117,666,945, plus strand): 5'-CTCACTAACAGCCATTTCCCTAGGTCATAGAAGAGAACAAAGTGCGGCAGTACGATTCCA[T>C]CCAGAAACTGCTGAACGAGAGGAGCCTCTTCCGGCAAGCCATCAGCCCCTCCGACAGGGT-3'
Protein context (NP_000483.3, residues 1417-1437): EENKVRQYDS[Ile1427Thr]QKLLNERSLF